The following is an entry in ClinVar:

ClinVar aggregate classification (germline): Conflicting classifications of pathogenicity. Review status: criteria provided, conflicting classifications (1 of 4 stars). 6 submissions from 6 submitters: Uncertain significance (1); Likely benign (3). 2 of the submissions do not count toward it. Last evaluated 2026-02-02.

Conditions:
Werner syndrome (WRN). Identifiers: Orphanet 902, MedGen C0043119, MONDO:0010196, OMIM 277700.

Allele frequency attached by ClinVar (database versions not stated): 1000 Genomes Project 0.00100; 1000 Genomes Project 30x 0.00141; gnomAD below 0.00001 and 0.00019; TOPMed 0.00002; gnomAD exomes 0.00024 and 0.00044; ExAC 0.00054.
gnomAD v4.1: 385 of 1,614,014 alleles (0.024%); highest among the groups gnomAD compares: South Asian, 0.4%; 2 homozygotes.

Submissions (6):

Labcorp Genetics (formerly Invitae), Labcorp
Classification: Likely benign for Werner syndrome. Last evaluated: 2026-02-02. Review status: criteria provided, single submitter. Criteria: Invitae Variant Classification Sherloc (09022015). Collection method: clinical testing. Allele origin: germline.

Mayo Clinic Laboratories, Mayo Clinic
Classification: Likely benign. Last evaluated: 2025-12-18. Review status: criteria provided, single submitter. Criteria: ACMG Guidelines, 2015. Collection method: clinical testing. Allele origin: germline. Observed: 1 variant allele.
Comment: BS1, BP4

CeGaT Center for Human Genetics Tuebingen
Classification: Likely benign. Last evaluated: 2024-04-01. Review status: criteria provided, single submitter. Criteria: CeGaT Center For Human Genetics Tuebingen Variant Classification Criteria Version 2. Collection method: clinical testing. Allele origin: germline. Affected: yes. Observed: 1 variant allele.
Comment: WRN: BP4, BS2

Illumina Laboratory Services, Illumina
Classification: Uncertain significance for Werner syndrome. Last evaluated: 2018-01-12. Review status: criteria provided, single submitter. Criteria: ICSL Variant Classification Criteria 13 December 2019. Collection method: clinical testing. Allele origin: germline.

Clinical Genetics DNA and cytogenetics Diagnostics Lab, Erasmus MC, Erasmus Medical Center
Classification: Uncertain significance. Review status: no assertion criteria provided. Collection method: clinical testing. Allele origin: germline. Affected: yes. Study: VKGL Data-share Consensus. Not counted in ClinVar's aggregate classification.

Laboratory of Diagnostic Genome Analysis, Leiden University Medical Center (LUMC)
Classification: Uncertain significance. Review status: no assertion criteria provided. Collection method: clinical testing. Allele origin: germline. Affected: yes. Study: VKGL Data-share Consensus. Not counted in ClinVar's aggregate classification.

NM_000553.6(WRN):c.2338G>A (p.Val780Ile)

Gene: WRN (WRN RecQ like helicase; plus strand). Cytogenetic location: 8p12.
Variant type: single nucleotide variant.
Coding change: c.2338G>A on transcript NM_000553.6 (MANE Select); coding-DNA position 2338, G replaced by A.
Protein change: p.Val780Ile; replaces valine 780 with isoleucine.
Molecular consequence: missense variant.
Genome position (GRCh38, 1-based): chr8:31,116,418, G>A. VCF-style: chr8-31116418-G-A. GRCh37 (hg19) VCF-style: chr8-30973934-G-A.
Other names: p.Val780Ile; short protein forms V780I.
Identifiers: ClinVar variation 528204 (VCV000528204.37), dbSNP rs574787451, ClinGen allele CA4704723.
Genomic context (GRCh38, chr8:31,116,418, plus strand): 5'-CACTGGGAATTTGAAGGTCCAACAATCATCTACTGTCCTTCTAGAAAAATGACACAACAA[G>A]TTACAGGTGAACTTAGGAAACTGAATCTATCCTGTGGAACATACCATGCGGGCATGAGTT-3'
Protein context (NP_000544.2, residues 770-790): YCPSRKMTQQ[Val780Ile]TGELRKLNLS